The following is an entry in ClinVar:

ClinVar aggregate classification (germline): Likely pathogenic (1 of 4 stars; one submission).

Conditions:
Mucopolysaccharidosis, MPS-III-B (MPS3B). Also called: MUCOPOLYSACCHARIDOSIS, TYPE IIIB; Mucopolysaccharidosis type IIIB (Sanfilippo B); N-ACETYL-ALPHA-D-GLUCOSAMINIDASE DEFICIENCY; NAGLU DEFICIENCY; SANFILIPPO SYNDROME B; MPS III B. Identifiers: Orphanet 79270, MedGen C0086648, MONDO:0009656, OMIM 252920.

Submission:

Women's Health and Genetics/Laboratory Corporation of America, LabCorp
Classification: Likely pathogenic for Mucopolysaccharidosis, MPS-III-B. Last evaluated: 2022-06-28. Review status: criteria provided, single submitter. Criteria: LabCorp Variant Classification Summary - May 2015. Collection method: clinical testing. Allele origin: germline.
Comment: Variant summary: NAGLU c.229_236delGTGCGCGG (p.Val77LeufsX112) results in a premature termination codon, predicted to cause a truncation of the encoded protein or absence of the protein due to nonsense mediated decay, which are commonly known mechanisms for disease. Truncations downstream of this position have been classified as pathogenic by our laboratory. The variant was absent in 28936 control chromosomes (gnomAD). To our knowledge, no occurrence of c.229_236delGTGCGCGG in individuals affected with Mucopolysaccharidosis Type IIIB (Sanfilippo Syndrome B) and no experimental evidence demonstrating its impact on protein function have been reported. No clinical diagnostic laboratories have submitted clinical-significance assessments for this variant to ClinVar after 2014, but a different overlapping frameshift variant has been classified as pathogenic/likely pathogenic (c.219_237del [p.Arg74fs], ClinVar:554876). Based on the evidence outlined above, the variant was classified as likely pathogenic.

NM_000263.4(NAGLU):c.229_236del (p.Val77fs)

Genes: NAGLU (N-acetyl-alpha-glucosaminidase; plus strand), LOC130060903 (ATAC-STARR-seq lymphoblastoid silent region 8533; plus strand). Cytogenetic location: 17q21.2.
Variant type: Deletion.
Coding change: c.229_236del on transcript NM_000263.4 (MANE Select); coding-DNA positions 229 to 236, 8 bases deleted (GTGCGCGG; older notation c.229_236delGTGCGCGG).
Protein change: p.Val77fs; shifts the reading frame from valine 77.
Molecular consequence: frameshift variant.
Genome position (GRCh38, 1-based): chr17:42,536,501-42,536,508, GTGCGCGG deleted; deleting any 8 consecutive bases within chr17:42,536,497-42,536,508 gives the same sequence; the c. name uses the placement nearest the transcript's 3' end. VCF-style (leftmost placement, unchanged base first): chr17-42536496-TGCGGGTGC-T. GRCh37 (hg19) VCF-style: chr17-40688514-TGCGGGTGC-T.
Other names: short protein forms V77fs.
Identifiers: ClinVar variation 1698646 (VCV001698646.1), dbSNP rs2143076634, ClinGen allele CA2580093762.